The following is an entry in ClinVar:

NM_018718.3(CEP41):c.1040A>G (p.Asn347Ser)

Gene: CEP41 (centrosomal protein 41; minus strand). Cytogenetic location: 7q32.2.
Variant type: single nucleotide variant.
Coding change: c.1040A>G on transcript NM_018718.3 (MANE Select); coding-DNA position 1040, A replaced by G.
Protein change: p.Asn347Ser; replaces asparagine 347 with serine.
Molecular consequence: missense variant. On other transcripts: non-coding transcript variant (1).
Genome position (GRCh38, 1-based): chr7:130,398,973, T>C on the plus strand (A>G on the coding strand, the complement: CEP41 is on the minus strand). VCF-style: chr7-130398973-T-C. GRCh37 (hg19) VCF-style: chr7-130038814-T-C.
Other names: c.824A>G, p.Asn275Ser (NM_001257158.2); c.776A>G, p.Asn259Ser (NM_001257159.2); c.1040A>G (NM_018718.1); short protein forms N259S, N275S, N347S.
Identifiers: ClinVar variation 936966 (VCV000936966.7), dbSNP rs782131552, ClinGen allele CA4485400.
Genomic context (GRCh38, chr7:130,398,973, plus strand): 5'-AGGTGACCACTGCTGAGGGAGCGGGGGTTTGAGTGGCTGGCGGGGCCGCCACCTGGCAGA[T>C]TCTGAGCGCTTCGGGCACCAGGCACCTTGGACTCTCTTCCGGAGGAGTTAGCTTGGTTCA-3'
Protein context (NP_061188.1, residues 337-357): SKVPGARSAQ[Asn347Ser]LPGGGPASHS

ClinVar aggregate classification (germline): Uncertain significance. Review status: criteria provided, multiple submitters, no conflicts (2 of 4 stars). 3 submissions from 3 submitters: Uncertain significance (3). Last evaluated 2025-05-20.

Conditions:
Inborn genetic diseases. Identifiers: MedGen C0950123, MeSH D030342.
Joubert syndrome 15 (JBTS15). Identifiers: Orphanet 475, MedGen C3280897, MONDO:0013763, OMIM 614464.

Allele frequency attached by ClinVar (database versions not stated): gnomAD 0.00003; gnomAD exomes 0.00003 and 0.00004; TOPMed 0.00003; ExAC 0.00004.
gnomAD v4.1: 52 of 1,614,100 alleles (0.0032%); highest among the groups gnomAD compares: Middle Eastern, 0.049%; no homozygotes.

Submissions (3):

Ambry Genetics
Classification: Uncertain significance for Inborn genetic diseases. Last evaluated: 2025-05-20. Review status: criteria provided, single submitter. Criteria: Ambry Variant Classification Scheme 2023. Collection method: clinical testing. Allele origin: germline.

Labcorp Genetics (formerly Invitae), Labcorp
Classification: Uncertain significance for Joubert syndrome 15. Last evaluated: 2022-10-27. Review status: criteria provided, single submitter. Criteria: Invitae Variant Classification Sherloc (09022015). Collection method: clinical testing. Allele origin: germline.
Comment: This sequence change replaces asparagine, which is neutral and polar, with serine, which is neutral and polar, at codon 347 of the CEP41 protein (p.Asn347Ser). This variant is present in population databases (rs782131552, gnomAD 0.01%). This variant has not been reported in the literature in individuals affected with CEP41-related conditions. ClinVar contains an entry for this variant (Variation ID: 936966). Advanced modeling of protein sequence and biophysical properties (such as structural, functional, and spatial information, amino acid conservation, physicochemical variation, residue mobility, and thermodynamic stability) performed at Invitae indicates that this missense variant is not expected to disrupt CEP41 protein function. In summary, the available evidence is currently insufficient to determine the role of this variant in disease. Therefore, it has been classified as a Variant of Uncertain Significance.

Breakthrough Genomics
Classification: Uncertain significance. Review status: criteria provided, single submitter. Criteria: ACMG Guidelines, 2015. Collection method: not provided. Allele origin: germline. Inheritance: Autosomal recessive inheritance. Affected: yes.